The following is an entry in ClinVar:

ClinVar aggregate classification (germline): Uncertain significance (1 of 4 stars; one submission).

Conditions:
Cardiovascular phenotype. Identifiers: MedGen CN230736.

Allele frequency attached by ClinVar (database versions not stated): gnomAD exomes 0.00001; TOPMed below 0.00001.
gnomAD v4.1: 3 of 1,614,154 alleles (0.00019%); highest among the groups gnomAD compares: Middle Eastern, 0.033%; no homozygotes.

Submission:

Ambry Genetics
Classification: Uncertain significance for Cardiovascular phenotype. Last evaluated: 2022-06-02. Review status: criteria provided, single submitter. Criteria: Ambry Variant Classification Scheme 2023. Collection method: clinical testing. Allele origin: germline.
Comment: The p.G191R variant (also known as c.571G>C), located in coding exon 5 of the ABCG5 gene, results from a G to C substitution at nucleotide position 571. The glycine at codon 191 is replaced by arginine, an amino acid with dissimilar properties. This amino acid position is conserved. In addition, this alteration is predicted to be tolerated by in silico analysis. Since supporting evidence is limited at this time, the clinical significance of this alteration remains unclear.

NM_022436.3(ABCG5):c.571G>C (p.Gly191Arg)

Genes: ABCG5 (ATP binding cassette subfamily G member 5; minus strand), DYNC2LI1 (dynein cytoplasmic 2 light intermediate chain 1; plus strand). Cytogenetic location: 2p21.
Variant type: single nucleotide variant.
Coding change: c.571G>C on transcript NM_022436.3 (MANE Select); coding-DNA position 571, G replaced by C.
Protein change: p.Gly191Arg; replaces glycine 191 with arginine.
Molecular consequence: missense variant. On other transcripts: 3 prime UTR variant (2).
Genome position (GRCh38, 1-based): chr2:43,828,046, C>G on the plus strand (G>C on the coding strand, the complement: ABCG5 is on the minus strand). VCF-style: chr2-43828046-C-G. GRCh37 (hg19) VCF-style: chr2-44055185-C-G.
Other names: c.*676C>G (NM_001348912.2, NM_001348913.2); short protein forms G191R.
Identifiers: ClinVar variation 1749280 (VCV001749280.2), dbSNP rs924646114, ClinGen allele CA46466343.